The following is an entry in ClinVar:

ClinVar aggregate classification (germline): Uncertain significance (1 of 4 stars; one submission).

Conditions:
Immunodeficiency. Identifiers: MedGen C0021051, MONDO:0021094, HP:0002721.

gnomAD v4.1: 17 of 1,613,974 alleles (0.0011%); highest among the groups gnomAD compares: African/African-American, 0.004%; no homozygotes.

Submission:

Labcorp Genetics (formerly Invitae), Labcorp
Classification: Uncertain significance for Immunodeficiency. Last evaluated: 2025-10-01. Review status: criteria provided, single submitter. Criteria: Invitae Variant Classification Sherloc (09022015). Collection method: clinical testing. Allele origin: germline.
Comment: This sequence change replaces alanine, which is neutral and non-polar, with threonine, which is neutral and polar, at codon 819 of the NFAT5 protein (p.Ala819Thr). This variant is present in population databases (no rsID available, gnomAD 0.003%). This variant has not been reported in the literature in individuals affected with NFAT5-related conditions. An algorithm developed to predict the effect of missense changes on protein structure and function (PolyPhen-2) suggests that this variant is likely to be disruptive. In summary, the available evidence is currently insufficient to determine the role of this variant in disease. Therefore, it has been classified as a Variant of Uncertain Significance.

NM_138713.4(NFAT5):c.2737G>A (p.Ala913Thr)

Gene: NFAT5 (nuclear factor of activated T cells 5; plus strand). Cytogenetic location: 16q22.1.
Variant type: single nucleotide variant.
Coding change: c.2737G>A on transcript NM_138713.4 (MANE Select); coding-DNA position 2737, G replaced by A.
Protein change: p.Ala913Thr; replaces alanine 913 with threonine.
Molecular consequence: missense variant.
Genome position (GRCh38, 1-based): chr16:69,692,562, G>A. VCF-style: chr16-69692562-G-A. GRCh37 (hg19) VCF-style: chr16-69726465-G-A.
Other names: c.2734G>A, p.Ala912Thr (NM_001113178.3); c.2062G>A, p.Ala688Thr (NM_001367709.1); c.2683G>A, p.Ala895Thr (NM_006599.4); c.2455G>A, p.Ala819Thr (NM_138714.4, NM_173214.3, NM_173215.3); short protein forms A895T, A913T, A688T, A819T, A912T.
Identifiers: ClinVar variation 4692674 (VCV004692674.1).
Genomic context (GRCh38, chr16:69,692,562, plus strand): 5'-ACGTTATCTAATCAACAGCAGCAGCAGCAGCAGCAACAGCAAGTGATGGAATCTTCAGCC[G>A]CAATGGTGATGGAGATGCAACAGAGTATCTGCCAGGCAGCTGCCCAGATTCAGTCAGAGT-3'
Protein context (NP_619727.2, residues 903-923): QQQQVMESSA[Ala913Thr]MVMEMQQSIC